The following is an entry in ClinVar:

ClinVar aggregate classification (germline): Conflicting classifications of pathogenicity. Review status: criteria provided, conflicting classifications (1 of 4 stars). 13 submissions from 13 submitters: Uncertain significance (10); Likely benign (2). 1 of the submissions does not count toward it. Last evaluated 2026-04-14.

Conditions:
Inherited MMR deficiency (Lynch syndrome).
Hereditary nonpolyposis colorectal neoplasms. Identifiers: MedGen C0009405, MeSH D003123.
Hereditary cancer-predisposing syndrome. Also called: Hereditary Cancer Syndrome; Tumor predisposition; Neoplastic Syndromes, Hereditary; Hereditary neoplastic syndrome. Identifiers: Orphanet 140162, MedGen C0027672, MeSH D009386, MONDO:0015356.
Lynch syndrome. Identifiers: Orphanet 144, MedGen C4552100, MONDO:0005835. Disease mechanism: loss of function.
Lynch syndrome 5 (LYNCH5). Also called: Hereditary non-polyposis colorectal cancer, type 5; Colorectal cancer, hereditary nonpolyposis, type 5. Identifiers: Orphanet 144, MedGen C1833477, MONDO:0013710, OMIM 614350. Disease mechanism: loss of function.
Endometrial carcinoma. Also called: Endometrial carcinoma, somatic. Identifiers: MedGen C0476089, MONDO:0002447, OMIM 608089, HP:0012114.

Allele frequency attached by ClinVar (database versions not stated): TOPMed 0.00001; gnomAD exomes 0.00002; gnomAD 0.00003; ExAC 0.00005; ESP Exome Variant Server 0.00008.

Submissions (13):

Genomics and Molecular Medicine Service, East Genomic Laboratory Hub, NHS Genomic Medicine Service
Classification: Uncertain significance for Inherited MMR deficiency (Lynch syndrome). Last evaluated: 2026-04-14. Review status: criteria provided, single submitter. Criteria: ACGS Best Practice Guidelines for Variant Classification in Rare Disease 2020. Collection method: clinical testing. Allele origin: germline. Affected: yes.
Comment: BP4

Labcorp Genetics (formerly Invitae), Labcorp
Classification: Likely benign for Hereditary nonpolyposis colorectal neoplasms. Last evaluated: 2026-01-28. Review status: criteria provided, single submitter. Criteria: Invitae Variant Classification Sherloc (09022015). Collection method: clinical testing. Allele origin: germline.

Quest Diagnostics Nichols Institute San Juan Capistrano
Classification: Uncertain significance. Last evaluated: 2025-08-14. Review status: criteria provided, single submitter. Criteria: Quest Diagnostics criteria. Collection method: clinical testing. Allele origin: unknown.
Comment: The MSH6 c.3787C>T (p.Arg1263Cys) variant has been reported in the published literature in individuals with breast cancer (PMID: 35449176 (2022), 32658311 (2021), 33471991 (2021), see also LOVD), colorectal cancer (PMID: 28135145 (2017)), prostate cancer (PMID: 36898365 (2023)), and in reportedly unaffected individuals (PMID: 33471991 (2021), see also LOVD). The frequency of this variant in the general population (Genome Aggregation Database) is uninformative in the assessment of its pathogenicity. Analysis of this variant using bioinformatics tools for the prediction of the effect of amino acid changes on protein structure and function yielded conflicting predictions that this variant is benign or damaging. Based on the available information, we are unable to determine the clinical significance of this variant.

CeGaT Center for Human Genetics Tuebingen
Classification: Uncertain significance. Last evaluated: 2025-05-01. Review status: criteria provided, single submitter. Criteria: CeGaT Center For Human Genetics Tuebingen Variant Classification Criteria Version 2. Collection method: clinical testing. Allele origin: germline. Affected: yes. Observed: 1 variant allele.

Ambry Genetics
Classification: Uncertain significance for Hereditary cancer-predisposing syndrome. Last evaluated: 2025-01-07. Review status: criteria provided, single submitter. Criteria: Ambry Variant Classification Scheme 2023. Collection method: clinical testing. Allele origin: germline.
Comment: The p.R1263C variant (also known as c.3787C>T), located in coding exon 8 of the MSH6 gene, results from a C to T substitution at nucleotide position 3787. The arginine at codon 1263 is replaced by cysteine, an amino acid with highly dissimilar properties. This variant has been reported in an individual diagnosed with colorectal cancer (Yurgelun MB et al. J Clin Oncol, 2017 Apr;35:1086-1095). This alteration was also seen in 1/732 breast cancer patients, 0/189 colorectal cancer patients and 1/490 cancer-free elderly controls in a Turkish population (Akcay IM et al. Int J Cancer, 2021 01;148:285-295). This alteration was also identified in an individual diagnosed with prostate cancer (Gheybi K et al. J Natl Compr Canc Netw, 2023 Mar;21:289-296.e3). This variant has been identified in probands whose Lynch syndrome-associated tumors were microsatellite stable (MSS) and/or demonstrated normal mismatch repair protein expression by immunohistochemistry (IHC) (Ambry internal data). This amino acid position is well conserved in available vertebrate species. In addition, this alteration is predicted to be deleterious by in silico analysis. Since supporting evidence is limited at this time, the clinical significance of this alteration remains unclear.

All of Us Research Program, National Institutes of Health
Classification: Uncertain significance for Lynch syndrome. Last evaluated: 2024-08-29. Review status: criteria provided, single submitter. Criteria: ACMG Guidelines, 2015. Collection method: clinical testing. Allele origin: germline. Inheritance: Autosomal dominant inheritance. Observed: 3 variant alleles, 3 heterozygotes.
Comment: This missense variant replaces arginine with cysteine at codon 1263 of the MSH6 protein. Computational prediction is inconclusive regarding the impact of this variant on protein structure and function (internally defined REVEL score threshold 0.5 < inconclusive < 0.7, PMID: 27666373). To our knowledge, functional studies have not been reported for this variant. This variant has been reported in an individual affected with colorectal cancer (PMID: 28135145), in an individual affected with an unspecified cancer (PMID: 31391288), as well as in both cases and controls in breast cancer studies (PMID: 32658311, 33471991, 35449176). This variant has been identified in 5/282616 chromosomes in the general population by the Genome Aggregation Database (gnomAD). The available evidence is insufficient to determine the role of this variant in disease conclusively. Therefore, this variant is classified as a Variant of Uncertain Significance.

This study involves interpretation of variants in research participants for the purpose of population health screening. Participant phenotype was not available at the time of variant classification. Additional details can be found in publication PMID: 35346344, PMCID: PMC8962531

Color Diagnostics, LLC DBA Color Health
Classification: Uncertain significance for Hereditary cancer-predisposing syndrome. Last evaluated: 2024-04-25. Review status: criteria provided, single submitter. Criteria: ACMG Guidelines, 2015. Collection method: clinical testing. Allele origin: germline.
Comment: This missense variant replaces arginine with cysteine at codon 1263 of the MSH6 protein. Computational prediction is inconclusive regarding the impact of this variant on protein structure and function (internally defined REVEL score threshold 0.5 < inconclusive < 0.7, PMID: 27666373). To our knowledge, functional studies have not been reported for this variant. This variant has been reported in an individual affected with colorectal cancer (PMID: 28135145), in an individual affected with an unspecified cancer (PMID: 31391288), as well as in both cases and controls in breast cancer studies (PMID: 32658311, 33471991, 35449176). This variant has been identified in 5/282616 chromosomes in the general population by the Genome Aggregation Database (gnomAD). The available evidence is insufficient to determine the role of this variant in disease conclusively. Therefore, this variant is classified as a Variant of Uncertain Significance.

Baylor Genetics
Classification: Uncertain significance for Endometrial carcinoma. Last evaluated: 2024-02-26. Review status: criteria provided, single submitter. Criteria: ACMG Guidelines, 2015. Collection method: clinical testing. Allele origin: unknown.

GeneDx
Classification: Uncertain significance. Last evaluated: 2023-05-23. Review status: criteria provided, single submitter. Criteria: GeneDx Variant Classification Process June 2021. Collection method: clinical testing. Allele origin: germline. Affected: yes.
Comment: Not observed at significant frequency in large population cohorts (gnomAD); In silico analysis supports that this missense variant has a deleterious effect on protein structure/function; Observed in individuals with colorectal cancer, breast cancer, or Ewing's sarcoma (Yurgelun et al., 2017; Akcay et al., 2020; Papi et al., 2022); This variant is associated with the following publications: (PMID: 25583476, 23621914, 31391288, 28135145, 17531815, 21120944, 32658311, 35903703)

Women's Health and Genetics/Laboratory Corporation of America, LabCorp
Classification: Uncertain significance. Last evaluated: 2023-05-18. Review status: criteria provided, single submitter. Criteria: LabCorp Variant Classification Summary - May 2015. Collection method: clinical testing. Allele origin: germline.
Comment: Variant summary: MSH6 c.3787C>T (p.Arg1263Cys) results in a non-conservative amino acid change located in the DNA mismatch repair protein MutS, C-terminal (IPR000432) of the encoded protein sequence. Three of five in-silico tools predict a benign effect of the variant on protein function, and the PON-MMR2 tool predicts a benign effect (Niroula_2015). The variant allele was found at a frequency of 1.6e-05 in 251218 control chromosomes (gnomAD). The available data on variant occurrences in the general population are insufficient to allow any conclusion about variant significance. c.3787C>T has been reported in the literature in individuals affected with cancer (including colorectal cancer) without strong evidence of causality (Hu_2022, Akcay_2021, Yurgelun_2017, Li_2020, Muskens_2020). These reports do not provide unequivocal conclusions about association of the variant with Lynch Syndrome. To our knowledge, no experimental evidence demonstrating an impact on protein function has been reported. The following publications have been ascertained in the context of this evaluation (PMID: 35449176, 26333163, 32658311, 28135145, 31391288, 31970404). Seven submitters have provided clinical-significance assessments for this variant to ClinVar after 2014 , and classified it as uncertain siginificance (n=5), or likely benign (n=2). Based on the evidence outlined above, the variant was classified as uncertain significance.

Myriad Genetics, Inc.
Classification: Uncertain significance for Lynch syndrome 5. Last evaluated: 2023-03-29. Review status: criteria provided, single submitter. Criteria: Myriad Autosomal Dominant, Autosomal Recessive and X-Linked Classification Criteria (2023). Collection method: clinical testing. Allele origin: unknown.
Comment: This variant is classified as a variant of uncertain significance as there is insufficient evidence to determine its impact on protein function and/or cancer risk.

Center for Human Genetics, Inc
Classification: Likely benign for Lynch syndrome 5. Last evaluated: 2016-11-01. Review status: criteria provided, single submitter. Criteria: ACMG Guidelines, 2015. Collection method: clinical testing. Allele origin: germline. Affected: yes.

Counsyl
Classification: Uncertain significance for Lynch syndrome 5. Last evaluated: 2018-02-15. Review status: no assertion criteria provided. Collection method: clinical testing. Allele origin: unknown. Not counted in ClinVar's aggregate classification.

Literature cited by the submitters: PubMed 36898365 (cited by Quest Diagnostics Nichols Institute San Juan Capistrano and Ambry Genetics); PubMed 23621914 (cited by Quest Diagnostics Nichols Institute San Juan Capistrano); PubMed 28135145 (cited by 6 submitters); PubMed 33471991 (cited by 3 submitters); PubMed 35449176 (cited by 4 submitters); PubMed 32658311 (cited by 5 submitters); PubMed 25583476 (cited by Quest Diagnostics Nichols Institute San Juan Capistrano); PubMed 31391288 (cited by 3 submitters); PubMed 26333163 (cited by Women's Health and Genetics/Laboratory Corporation of America, LabCorp); PubMed 31970404 (cited by Women's Health and Genetics/Laboratory Corporation of America, LabCorp).

NM_000179.3(MSH6):c.3787C>T (p.Arg1263Cys)

Gene: MSH6 (mutS homolog 6; plus strand). Cytogenetic location: 2p16.3.
Variant type: single nucleotide variant.
Coding change: c.3787C>T on transcript NM_000179.3 (MANE Select); coding-DNA position 3787, C replaced by T.
Protein change: p.Arg1263Cys; replaces arginine 1263 with cysteine.
Molecular consequence: missense variant.
Genome position (GRCh38, 1-based): chr2:47,806,344, C>T. VCF-style: chr2-47806344-C-T. GRCh37 (hg19) VCF-style: chr2-48033483-C-T.
Other names: c.3397C>T, p.Arg1133Cys (NM_001281492.2); c.2881C>T, p.Arg961Cys (NM_001281493.2, NM_001281494.2); short protein forms R1263C, R1133C, R961C.
Identifiers: ClinVar variation 89461 (VCV000089461.50), dbSNP rs367912290, ClinGen allele CA014275.